The following is an entry in ClinVar:

NM_172107.4(KCNQ2):c.1763+1576T>G

Gene: KCNQ2 (potassium voltage-gated channel subfamily Q member 2; minus strand). Cytogenetic location: 20q13.33.
Variant type: single nucleotide variant.
Coding change: c.1763+1576T>G on transcript NM_172107.4 (MANE Select); 1576 bases into the intron after coding-DNA position 1763, T replaced by G.
Molecular consequence: intron variant. On other transcripts: missense variant (1).
Genome position (GRCh38, 1-based): chr20:63,411,874, A>C on the plus strand (T>G on the coding strand, the complement: KCNQ2 is on the minus strand). VCF-style: chr20-63411874-A-C. GRCh37 (hg19) VCF-style: chr20-62043227-A-C.
Other names: c.1718T>G, p.Met573Arg (NM_001382235.1); c.1679+1576T>G (NM_004518.6); c.1670+1576T>G (NM_172108.5); c.1709+1576T>G (NM_172106.3); short protein forms M573R.
Identifiers: ClinVar variation 1098634 (VCV001098634.2), dbSNP rs62208003, ClinGen allele CA317427303.

ClinVar aggregate classification (germline): Uncertain significance. Review status: criteria provided, multiple submitters, no conflicts (2 of 4 stars). 2 submissions from 2 submitters: Uncertain significance (2). Last evaluated 2024-07-02.

Conditions:
Developmental and epileptic encephalopathy, 7 (DEE7). Also called: KCNQ2-Related Neonatal Epileptic Encephalopathy; Early infantile epileptic encephalopathy 7; KCNQ2-Related Neonatal-Onset Developmental and Epileptic Encephalopathy (NEO-DEE). Identifiers: Orphanet 439218, MedGen C3150986, MONDO:0013387, OMIM 613720.

gnomAD v4.1: 11 of 712,672 alleles (0.0015%); highest among the groups gnomAD compares: Admixed American, 0.016%; no homozygotes.

Submissions (2):

ARUP Laboratories, Molecular Genetics and Genomics, ARUP Laboratories
Classification: Uncertain significance. Last evaluated: 2024-07-02. Review status: criteria provided, single submitter. Criteria: ARUP Molecular Germline Variant Investigation Process 2024. Collection method: clinical testing. Allele origin: germline.

New York Genome Center
Classification: Uncertain significance for Developmental and epileptic encephalopathy, 7. Last evaluated: 2020-05-12. Review status: criteria provided, single submitter. Criteria: NYGC Assertion Criteria 2020. Collection method: clinical testing. Allele origin: germline. Observed: 1 heterozygote. Study: CSER-NYCKidSeq.
Comment: The deep intronic c.1763+1576T>G variant identified in the KCNQ2 gene is a single nucleotide variant which substitutes a very well conserved Adenine for Cytosine at the nucleotide level, within intron 15/16. This variant is found with low frequency in gnomAD (6 heterozygotes, 0 homozygotes; allele frequency: 4.19e-5) suggesting it is not a common benign variant in the populations represented in that database. The Transcript inferred Pathogenicity Score (TraP; v3) for this variant is 0.412, which is >99th score-percentile, suggesting it is probably damaging to the canonical transcript. Human Splicing Finder suggests this variant activates an intronic cryptic splice acceptor site, and potentially alters splicing. This variant is absent from ClinVar and to our current knowledge has not been reported in affected individuals in the literature. Given the lack of compelling evidence for its pathogenicity, the deep intronic c.1763+1576T>G variant identified in the KCNQ2gene is reported here as a Variant of Uncertain Significance.